The following is an entry in ClinVar:

ClinVar aggregate classification (germline): Uncertain significance (1 of 4 stars; one submission).

Submission:

Labcorp Genetics (formerly Invitae), Labcorp
Classification: Uncertain significance. Last evaluated: 2024-12-18. Review status: criteria provided, single submitter. Criteria: Invitae Variant Classification Sherloc (09022015). Collection method: clinical testing. Allele origin: germline.
Comment: This sequence change replaces threonine, which is neutral and polar, with serine, which is neutral and polar, at codon 1095 of the COL4A6 protein (p.Thr1095Ser). This variant is not present in population databases (gnomAD no frequency). This variant has not been reported in the literature in individuals affected with COL4A6-related conditions. An algorithm developed to predict the effect of missense changes on protein structure and function (PolyPhen-2) suggests that this variant is likely to be tolerated. In summary, the available evidence is currently insufficient to determine the role of this variant in disease. Therefore, it has been classified as a Variant of Uncertain Significance.

NM_033641.4(COL4A6):c.3280A>T (p.Thr1094Ser)

Gene: COL4A6 (collagen type IV alpha 6 chain; minus strand). Cytogenetic location: Xq22.3.
Variant type: single nucleotide variant.
Coding change: c.3280A>T on transcript NM_033641.4 (MANE Select); coding-DNA position 3280, A replaced by T.
Protein change: p.Thr1094Ser; replaces threonine 1094 with serine.
Molecular consequence: missense variant.
Genome position (GRCh38, 1-based): chrX:108,170,915, T>A on the plus strand (A>T on the coding strand, the complement: COL4A6 is on the minus strand). VCF-style: chrX-108170915-T-A. GRCh37 (hg19) VCF-style: chrX-107414145-T-A.
Other names: c.3331A>T, p.Thr1111Ser (NM_001287758.2); c.3280A>T, p.Thr1094Ser (NM_001287759.2, NM_001287760.2); c.3283A>T, p.Thr1095Ser (NM_001847.4); short protein forms T1094S, T1095S, T1111S.
Identifiers: ClinVar variation 3621270 (VCV003621270.2).